The following is an entry in ClinVar:

ClinVar aggregate classification (germline): Uncertain significance. Review status: criteria provided, multiple submitters, no conflicts (2 of 4 stars). 4 submissions from 4 submitters: Uncertain significance (2). 2 of the submissions do not count toward it. Last evaluated 2025-07-15.

Conditions:
RPGRIP1L-related disorder. Also called: RPGRIP1L-related disorders; RPGRIP1L-related condition. Identifiers: MedGen CN239416.
Inborn genetic diseases. Identifiers: MedGen C0950123, MeSH D030342.
Joubert syndrome. Also called: JOUBERT-BOLTSHAUSER SYNDROME; Familial aplasia of the vermis. Identifiers: Orphanet 475, MedGen C5979921, MONDO:0018772.
Meckel-Gruber syndrome. Also called: DYSENCEPHALIA SPLANCHNOCYSTICA; GRUBER SYNDROME; Dysencephalia splachnocystica. Identifiers: Orphanet 564, MedGen C0265215, MONDO:0018921.

Allele frequency attached by ClinVar (database versions not stated): TOPMed 0.00001; ESP Exome Variant Server 0.00008.
gnomAD v4.1: 37 of 1,613,684 alleles (0.0023%); highest among the groups gnomAD compares: Non-Finnish European, 0.0031%; no homozygotes.

Submissions (4):

Ambry Genetics
Classification: Uncertain significance for Inborn genetic diseases. Last evaluated: 2025-07-15. Review status: criteria provided, single submitter. Criteria: Ambry Variant Classification Scheme 2023. Collection method: clinical testing. Allele origin: germline.

Labcorp Genetics (formerly Invitae), Labcorp
Classification: Uncertain significance for Joubert syndrome; Meckel-Gruber syndrome. Last evaluated: 2021-08-27. Review status: criteria provided, single submitter. Criteria: Invitae Variant Classification Sherloc (09022015). Collection method: clinical testing. Allele origin: germline.
Comment: This sequence change replaces serine with arginine at codon 1195 of the RPGRIP1L protein (p.Ser1195Arg). The serine residue is moderately conserved and there is a moderate physicochemical difference between serine and arginine. This variant is present in population databases (rs376935464, ExAC 0.001%). This variant has not been reported in the literature in individuals affected with RPGRIP1L-related conditions. Algorithms developed to predict the effect of missense changes on protein structure and function output the following: SIFT: "Tolerated"; PolyPhen-2: "Benign"; Align-GVGD: "Class C0". The arginine amino acid residue is found in multiple mammalian species, which suggests that this missense change does not adversely affect protein function. In summary, the available evidence is currently insufficient to determine the role of this variant in disease. Therefore, it has been classified as a Variant of Uncertain Significance.

PreventionGenetics, part of Exact Sciences
Classification: Uncertain significance for RPGRIP1L-related condition. Last evaluated: 2023-12-19. Review status: no assertion criteria provided. Collection method: clinical testing. Allele origin: germline. Not counted in ClinVar's aggregate classification.
Comment: The RPGRIP1L c.3585T>G variant is predicted to result in the amino acid substitution p.Ser1195Arg. To our knowledge, this variant has not been reported in the literature. This variant is reported in 0.00088% of alleles in individuals of European (Non-Finnish) descent in gnomAD. At this time, the clinical significance of this variant is uncertain due to the absence of conclusive functional and genetic evidence.

Natera, Inc.
Classification: Uncertain significance for Joubert syndrome. Last evaluated: 2020-11-16. Review status: no assertion criteria provided. Collection method: clinical testing. Allele origin: germline. Not counted in ClinVar's aggregate classification.

NM_015272.5(RPGRIP1L):c.3585T>G (p.Ser1195Arg)

Gene: RPGRIP1L (RPGRIP1 like; minus strand). Cytogenetic location: 16q12.2.
Variant type: single nucleotide variant.
Coding change: c.3585T>G on transcript NM_015272.5 (MANE Select); coding-DNA position 3585, T replaced by G.
Protein change: p.Ser1195Arg; replaces serine 1195 with arginine.
Molecular consequence: missense variant.
Genome position (GRCh38, 1-based): chr16:53,619,056, A>C on the plus strand (T>G on the coding strand, the complement: RPGRIP1L is on the minus strand). VCF-style: chr16-53619056-A-C. GRCh37 (hg19) VCF-style: chr16-53652968-A-C.
Other names: c.3585T>G (NM_015272.4, NM_015272.2); c.3345T>G, p.Ser1115Arg (NM_001127897.4); c.3447T>G, p.Ser1149Arg (NM_001308334.3); c.3483T>G, p.Ser1161Arg (NM_001330538.2); short protein forms S1161R, S1149R, S1195R, S1115R.
Identifiers: ClinVar variation 1036455 (VCV001036455.9), dbSNP rs376935464, ClinGen allele CA8057256.